The following is an entry in ClinVar:

ClinVar aggregate classification (germline): Uncertain significance. Review status: criteria provided, multiple submitters, no conflicts (2 of 4 stars). 4 submissions from 4 submitters: Uncertain significance (4). Last evaluated 2025-12-03.

Conditions:
Cardiovascular phenotype. Identifiers: MedGen CN230736.
Hypertrophic cardiomyopathy. Also called: HYPERTROPHIC MYOCARDIOPATHY. Identifiers: Orphanet 217569, MedGen C0007194, MeSH D002312, MONDO:0005045, HP:0001639.
Cardiomyopathy (CMYO). Also called: Cardiomyopathies. Identifiers: Orphanet 167848, MedGen C0878544, MONDO:0004994, HP:0001638. Inheritance: Various modes of inheritance.

Allele frequency attached by ClinVar (database versions not stated): gnomAD exomes below 0.00001.

Submissions (4):

Labcorp Genetics (formerly Invitae), Labcorp
Classification: Uncertain significance for Hypertrophic cardiomyopathy. Last evaluated: 2025-12-03. Review status: criteria provided, single submitter. Criteria: Invitae Variant Classification Sherloc (09022015). Collection method: clinical testing. Allele origin: germline.
Comment: This sequence change replaces methionine, which is neutral and non-polar, with valine, which is neutral and non-polar, at codon 1046 of the MYH7 protein (p.Met1046Val). This variant is not present in population databases (gnomAD no frequency). This variant has not been reported in the literature in individuals affected with MYH7-related conditions. ClinVar contains an entry for this variant (Variation ID: 626818). Invitae Evidence Modeling of protein sequence and biophysical properties (such as structural, functional, and spatial information, amino acid conservation, physicochemical variation, residue mobility, and thermodynamic stability) indicates that this missense variant is expected to disrupt MYH7 protein function with a positive predictive value of 95%. In summary, the available evidence is currently insufficient to determine the role of this variant in disease. Therefore, it has been classified as a Variant of Uncertain Significance.

Ambry Genetics
Classification: Uncertain significance for Cardiovascular phenotype. Last evaluated: 2025-10-23. Review status: criteria provided, single submitter. Criteria: Ambry Variant Classification Scheme 2023. Collection method: clinical testing. Allele origin: germline.
Comment: The p.M1046V variant (also known as c.3136A>G), located in coding exon 23 of the MYH7 gene, results from an A to G substitution at nucleotide position 3136. The methionine at codon 1046 is replaced by valine, an amino acid with highly similar properties. This variant was reported in individual(s) with features consistent with hypertrophic cardiomyopathy (Harper AR et al. Nat Genet. 2021 Feb;53(2):135-142). This amino acid position is highly conserved in available vertebrate species. In addition, the in silico prediction for this alteration is inconclusive. Based on the available evidence, the clinical significance of this variant remains unclear.

Color Diagnostics, LLC DBA Color Health
Classification: Uncertain significance for Cardiomyopathy. Last evaluated: 2024-12-10. Review status: criteria provided, single submitter. Criteria: ACMG Guidelines, 2015. Collection method: clinical testing. Allele origin: germline.
Comment: This missense variant replaces methionine with valine at codon 1046 of the MYH7 protein. Computational prediction tool is inconclusive regarding the impact of this variant on protein structure and function. To our knowledge, functional studies have not been reported for this variant. This variant has been reported in an individual affected with hypertrophic cardiomyopathy (PMID: 33495597). This variant has not been identified in the general population by the Genome Aggregation Database (gnomAD). The available evidence is insufficient to determine the role of this variant in disease conclusively. Therefore, this variant is classified as a Variant of Uncertain Significance.

CHEO Genetics Diagnostic Laboratory, Children's Hospital of Eastern Ontario
Classification: Uncertain significance for Cardiomyopathy. Last evaluated: 2016-01-05. Review status: criteria provided, single submitter. Criteria: ACMG Guidelines, 2015. Collection method: clinical testing. Allele origin: germline. Study: Canadian Open Genetics Repository.

Literature cited by the submitters: PubMed 33495597 (cited by Ambry Genetics and Color Diagnostics, LLC DBA Color Health).

NM_000257.4(MYH7):c.3136A>G (p.Met1046Val)

Gene: MYH7 (myosin heavy chain 7; minus strand). Cytogenetic location: 14q11.2.
Variant type: single nucleotide variant.
Coding change: c.3136A>G on transcript NM_000257.4 (MANE Select); coding-DNA position 3136, A replaced by G.
Protein change: p.Met1046Val; replaces methionine 1046 with valine.
Molecular consequence: missense variant.
Genome position (GRCh38, 1-based): chr14:23,422,289, T>C on the plus strand (A>G on the coding strand, the complement: MYH7 is on the minus strand). VCF-style: chr14-23422289-T-C. GRCh37 (hg19) VCF-style: chr14-23891498-T-C.
Other names: c.3136A>G (LRG_384t1); short protein forms M1046V.
Identifiers: ClinVar variation 626818 (VCV000626818.9), dbSNP rs1566529310, ClinGen allele CA389045419.